The following is an entry in ClinVar:

NM_001113491.2(SEPTIN9):c.1726_1728del (p.Met576del)

Gene: SEPTIN9 (septin 9; plus strand). Cytogenetic location: 17q25.3.
Variant type: Deletion.
Coding change: c.1726_1728del on transcript NM_001113491.2 (MANE Select); coding-DNA positions 1726 to 1728, 3 bases deleted (ATG; older notation c.1726_1728delATG).
Protein change: p.Met576del; deletes methionine 576.
Molecular consequence: inframe deletion.
Genome position (GRCh38, 1-based): chr17:77,498,623-77,498,625, ATG deleted. VCF-style (leftmost placement, unchanged base first): chr17-77498622-CATG-C. GRCh37 (hg19) VCF-style: chr17-75494704-CATG-C.
Other names: c.1234_1236del, p.Met412del (NM_001113492.2, NM_001113494.1); c.1705_1707del, p.Met569del (NM_001113493.2); c.973_975del, p.Met325del (NM_001113495.2, NM_001113496.2, NM_001293697.2 and 1 more transcripts); c.1669_1671del, p.Met557del (NM_001293695.2); c.1054_1056del, p.Met352del (NM_001293696.2); c.1672_1674del, p.Met558del (NM_006640.5); short protein forms M325del, M352del, M412del, M558del, M557del, M576del, M569del.
Identifiers: ClinVar variation 2807393 (VCV002807393.3), dbSNP rs768848747, ClinGen allele CA8793924.

ClinVar aggregate classification (germline): Uncertain significance (1 of 4 stars; one submission).

Allele frequency attached by ClinVar (database versions not stated): gnomAD exomes below 0.00001; TOPMed 0.00001; ExAC 0.00002.

Submission:

Labcorp Genetics (formerly Invitae), Labcorp
Classification: Uncertain significance. Last evaluated: 2023-08-11. Review status: criteria provided, single submitter. Criteria: Invitae Variant Classification Sherloc (09022015). Collection method: clinical testing. Allele origin: germline.
Comment: This variant is present in population databases (rs768848747, gnomAD 0.006%). This variant, c.1672_1674del, results in the deletion of 1 amino acid of the SEPT9 protein (p.Met558del), but otherwise preserves the integrity of the reading frame. In summary, the available evidence is currently insufficient to determine the role of this variant in disease. Therefore, it has been classified as a Variant of Uncertain Significance. Experimental studies and prediction algorithms are not available or were not evaluated, and the functional significance of this variant is currently unknown. This variant has not been reported in the literature in individuals affected with SEPT9-related conditions.